The following is an entry in ClinVar:

ClinVar aggregate classification (germline): Likely benign (1 of 4 stars; one submission).

Allele frequency attached by ClinVar (database versions not stated): 1000 Genomes Project 0.00040; 1000 Genomes Project 30x 0.00062; ESP Exome Variant Server 0.00115; TOPMed 0.00136; gnomAD 0.00145; ExAC 0.00148; gnomAD exomes 0.00239.
gnomAD v4.1: 3,660 of 1,614,184 alleles (0.23%); highest among the groups gnomAD compares: Middle Eastern, 0.36%; 13 homozygotes.

Submission:

CeGaT Center for Human Genetics Tuebingen
Classification: Likely benign. Last evaluated: 2026-06-01. Review status: criteria provided, single submitter. Criteria: CeGaT Center For Human Genetics Tuebingen Variant Classification Criteria Version 2. Collection method: clinical testing. Allele origin: germline. Affected: yes. Observed: 2 variant alleles.
Comment: SCUBE2: BP4, BS2

NM_001367977.2(SCUBE2):c.1990G>A (p.Glu664Lys)

Genes: NRIP3-DT (NRIP3 divergent transcript; plus strand), SCUBE2 (signal peptide, CUB domain and EGF like domain containing 2; minus strand). Cytogenetic location: 11p15.4.
Variant type: single nucleotide variant.
Coding change: c.1990G>A on transcript NM_001367977.2 (MANE Select); coding-DNA position 1990, G replaced by A.
Protein change: p.Glu664Lys; replaces glutamic acid 664 with lysine.
Molecular consequence: missense variant.
Genome position (GRCh38, 1-based): chr11:9,047,368, C>T on the plus strand (G>A on the coding strand, the complement: SCUBE2 is on the minus strand). VCF-style: chr11-9047368-C-T. GRCh37 (hg19) VCF-style: chr11-9068915-C-T.
Other names: c.1525G>A, p.Glu509Lys (NM_001170690.3); c.1903G>A, p.Glu635Lys (NM_001330199.3); c.1990G>A, p.Glu664Lys (NM_020974.4); short protein forms E509K, E635K, E664K.
Identifiers: ClinVar variation 2641588 (VCV002641588.24), dbSNP rs143249184, ClinGen allele CA5876314.